The following is an entry in ClinVar:

NM_001283009.2(RTEL1):c.3358G>C (p.Val1120Leu)

Genes: RTEL1 (regulator of telomere elongation helicase 1; plus strand), RTEL1-TNFRSF6B (RTEL1-TNFRSF6B readthrough (NMD candidate); plus strand). Cytogenetic location: 20q13.33.
Variant type: single nucleotide variant.
Coding change: c.3358G>C on transcript NM_001283009.2 (MANE Select); coding-DNA position 3358, G replaced by C.
Protein change: p.Val1120Leu; replaces valine 1120 with leucine.
Molecular consequence: missense variant. On other transcripts: non-coding transcript variant (1).
Genome position (GRCh38, 1-based): chr20:63,695,080, G>C. VCF-style: chr20-63695080-G-C. GRCh37 (hg19) VCF-style: chr20-62326433-G-C.
Other names: c.2689G>C, p.Val897Leu (NM_001283010.1); c.3358G>C, p.Val1120Leu (NM_016434.4); c.3430G>C, p.Val1144Leu (NM_032957.5); short protein forms V1144L, V897L, V1120L.
Identifiers: ClinVar variation 1990100 (VCV001990100.1), dbSNP rs1232203927, ClinGen allele CA409685271.
Genomic context (GRCh38, chr20:63,695,080, plus strand): 5'-GGGACAAAATGGGGGCTGTGCCGGGTCTGATTGAAGCTCCCCGCAGGGTTCAGCATGTTT[G>C]TGCGTCCACACCACAAGCAGCGCTTCTCACAGACGTGCACAGACCTGACCGGCCGGCCCT-3'
Protein context (NP_001269938.1, residues 1110-1130): FPLLHRFSMF[Val1120Leu]RPHHKQRFSQ

ClinVar aggregate classification (germline): Uncertain significance (1 of 4 stars; one submission).

Conditions:
Pulmonary fibrosis and/or bone marrow failure, Telomere-related, 3. Also called: PULMONARY FIBROSIS AND/OR BONE MARROW FAILURE SYNDROME, TELOMERE-RELATED, 3. Identifiers: Orphanet 2032, MedGen C4225346, MONDO:0014613, OMIM 616373.
Dyskeratosis congenita, autosomal recessive 5 (DKCB5). Identifiers: MedGen C3554656, MONDO:0014076, OMIM 615190.

Submission:

Labcorp Genetics (formerly Invitae), Labcorp
Classification: Uncertain significance for Dyskeratosis congenita, autosomal recessive 5; Pulmonary fibrosis and/or bone marrow failure, Telomere-related, 3. Last evaluated: 2022-09-09. Review status: criteria provided, single submitter. Criteria: Invitae Variant Classification Sherloc (09022015). Collection method: clinical testing. Allele origin: germline.
Comment: This sequence change replaces valine, which is neutral and non-polar, with leucine, which is neutral and non-polar, at codon 1120 of the RTEL1 protein (p.Val1120Leu). This variant is not present in population databases (gnomAD no frequency). This variant has not been reported in the literature in individuals affected with RTEL1-related conditions. Algorithms developed to predict the effect of missense changes on protein structure and function output the following: SIFT: "Tolerated"; PolyPhen-2: "Benign"; Align-GVGD: "Class C0". The leucine amino acid residue is found in multiple mammalian species, which suggests that this missense change does not adversely affect protein function. In summary, the available evidence is currently insufficient to determine the role of this variant in disease. Therefore, it has been classified as a Variant of Uncertain Significance.